The following is an entry in ClinVar:

NM_000465.4(BARD1):c.2217T>C (p.Tyr739=)

Gene: BARD1 (BRCA1 associated RING domain 1; minus strand). Cytogenetic location: 2q35.
Variant type: single nucleotide variant.
Coding change: c.2217T>C on transcript NM_000465.4 (MANE Select); coding-DNA position 2217, T replaced by C.
Protein change: p.Tyr739=; no amino-acid change (tyrosine 739 retained).
Molecular consequence: synonymous variant. On other transcripts: non-coding transcript variant (3).
Genome position (GRCh38, 1-based): chr2:214,728,793, A>G on the plus strand (T>C on the coding strand, the complement: BARD1 is on the minus strand). VCF-style: chr2-214728793-A-G. GRCh37 (hg19) VCF-style: chr2-215593517-A-G.
Other names: c.2160T>C, p.Tyr720= (NM_001282543.2); c.864T>C, p.Tyr288= (NM_001282545.2); c.807T>C, p.Tyr269= (NM_001282548.2); c.678T>C, p.Tyr226= (NM_001282549.2).
Identifiers: ClinVar variation 387645 (VCV000387645.12), dbSNP rs1057522854, ClinGen allele CA16604117.
Genomic context (GRCh38, chr2:214,728,793, plus strand): 5'-AGGAGCCTTCCAGACTTTGCCCTGCCGAACCCTCTCTGGGTGATAATTACACAAATCTTC[A>G]TAGATGATATACTGTGTGCAGAAGCGCTGATCAGAATCGGGTCTCGCATGGTATGCGACT-3'
Protein context (NP_000456.2, residues 729-749): DQRFCTQYII[Tyr739=]EDLCNYHPER

ClinVar aggregate classification (germline): Benign/Likely benign. Review status: criteria provided, multiple submitters, no conflicts (2 of 4 stars). 3 submissions from 3 submitters: Benign (1); Likely benign (2). Last evaluated 2024-07-30.

Conditions:
Familial cancer of breast. Also called: Hereditary breast cancer; hereditary breast carcinoma; BREAST CANCER, FAMILIAL. Identifiers: Orphanet 227535, MedGen C0346153, MONDO:0016419, OMIM 114480. Disease mechanism: loss of function.

Allele frequency attached by ClinVar (database versions not stated): gnomAD 0.00001.
gnomAD v4.1: 4 of 1,614,202 alleles (0.00025%); highest among the groups gnomAD compares: South Asian, 0.0022%; no homozygotes.

Submissions (3):

Myriad Genetics, Inc.
Classification: Benign for Familial cancer of breast. Last evaluated: 2024-07-30. Review status: criteria provided, single submitter. Criteria: Myriad Autosomal Dominant, Autosomal Recessive and X-Linked Classification Criteria (2023). Collection method: clinical testing. Allele origin: unknown.
Comment: This variant is considered benign. This variant is a silent/synonymous amino acid change and it is not expected to impact splicing.

Labcorp Genetics (formerly Invitae), Labcorp
Classification: Likely benign for Familial cancer of breast. Last evaluated: 2023-08-17. Review status: criteria provided, single submitter. Criteria: Invitae Variant Classification Sherloc (09022015). Collection method: clinical testing. Allele origin: germline.

GeneDx
Classification: Likely benign. Last evaluated: 2016-07-11. Review status: criteria provided, single submitter. Criteria: GeneDx Variant Classification (06012015). Collection method: clinical testing. Allele origin: germline. Affected: yes.
Comment: This variant is considered likely benign or benign based on one or more of the following criteria: it is a conservative change, it occurs at a poorly conserved position in the protein, it is predicted to be benign by multiple in silico algorithms, and/or has population frequency not consistent with disease.